The following is an entry in ClinVar:

NM_001364905.1(LRBA):c.7283G>A (p.Arg2428Gln)

Gene: LRBA (LPS responsive beige-like anchor protein; minus strand). Cytogenetic location: 4q31.3.
Variant type: single nucleotide variant.
Coding change: c.7283G>A on transcript NM_001364905.1 (MANE Select); coding-DNA position 7283, G replaced by A.
Protein change: p.Arg2428Gln; replaces arginine 2428 with glutamine.
Molecular consequence: missense variant.
Genome position (GRCh38, 1-based): chr4:150,350,071, C>T on the plus strand (G>A on the coding strand, the complement: LRBA is on the minus strand). VCF-style: chr4-150350071-C-T. GRCh37 (hg19) VCF-style: chr4-151271223-C-T.
Other names: c.7283G>A, p.Arg2428Gln (NM_001199282.3, NM_001367550.1); c.7316G>A, p.Arg2439Gln (NM_006726.5); short protein forms R2428Q, R2439Q.
Identifiers: ClinVar variation 958978 (VCV000958978.7), dbSNP rs139563734, ClinGen allele CA3101691.

ClinVar aggregate classification (germline): Uncertain significance (1 of 4 stars; one submission).

Conditions:
Combined immunodeficiency due to LRBA deficiency. Also called: Common variable immunodeficiency 8, with autoimmunity. Identifiers: Orphanet 445018, MedGen C3553512, MONDO:0013863, OMIM 614700.

Allele frequency attached by ClinVar (database versions not stated): TOPMed 0.00002; ESP Exome Variant Server 0.00008.
gnomAD v4.1: 19 of 1,612,686 alleles (0.0012%); highest among the groups gnomAD compares: East Asian, 0.0045%; no homozygotes.

Submission:

Labcorp Genetics (formerly Invitae), Labcorp
Classification: Uncertain significance for Combined immunodeficiency due to LRBA deficiency. Last evaluated: 2021-09-01. Review status: criteria provided, single submitter. Criteria: Invitae Variant Classification Sherloc (09022015). Collection method: clinical testing. Allele origin: germline.
Comment: This sequence change replaces arginine with glutamine at codon 2439 of the LRBA protein (p.Arg2439Gln). The arginine residue is moderately conserved and there is a small physicochemical difference between arginine and glutamine. This variant is present in population databases (rs139563734, ExAC 0.005%). This variant has not been reported in the literature in individuals affected with LRBA-related conditions. Algorithms developed to predict the effect of missense changes on protein structure and function are either unavailable or do not agree on the potential impact of this missense change (SIFT: "Tolerated"; PolyPhen-2: "Probably Damaging"; Align-GVGD: "Class C0"). In summary, the available evidence is currently insufficient to determine the role of this variant in disease. Therefore, it has been classified as a Variant of Uncertain Significance.